The following is an entry in ClinVar:

ClinVar aggregate classification (germline): Uncertain significance (1 of 4 stars; one submission).

Conditions:
ZTTK syndrome (ZTTKS). Also called: ZTTK MULTIPLE CONGENITAL ANOMALIES-MENTAL RETARDATION SYNDROME; Zhu-Tokita-Takenouchi-Kim Syndrome. Identifiers: Orphanet 500150, MedGen C4310696, MONDO:0014936, OMIM 617140.

Allele frequency attached by ClinVar (database versions not stated): gnomAD exomes 0.00001.
gnomAD v4.1: 5 of 1,614,206 alleles (0.00031%); highest among the groups gnomAD compares: Non-Finnish European, 0.00042%; no homozygotes.

Submission:

Baylor Genetics
Classification: Uncertain significance for ZTTK syndrome. Last evaluated: 2018-02-11. Review status: criteria provided, single submitter. Criteria: ACMG Guidelines, 2015. Collection method: clinical testing. Allele origin: unknown. Affected: yes.
Comment: This variant was determined to be of uncertain significance according to ACMG Guidelines, 2015 [PMID:25741868].

NM_138927.4(SON):c.3815A>G (p.Glu1272Gly)

Gene: SON (SON DNA and RNA binding protein; plus strand). Cytogenetic location: 21q22.11.
Variant type: single nucleotide variant.
Coding change: c.3815A>G on transcript NM_138927.4 (MANE Select); coding-DNA position 3815, A replaced by G.
Protein change: p.Glu1272Gly; replaces glutamic acid 1272 with glycine.
Molecular consequence: missense variant. On other transcripts: non-coding transcript variant (1), intron variant (1).
Genome position (GRCh38, 1-based): chr21:33,553,046, A>G. VCF-style: chr21-33553046-A-G. GRCh37 (hg19) VCF-style: chr21-34925352-A-G.
Other names: c.3815A>G, p.Glu1272Gly (NM_001291411.2, NM_032195.3); c.245-4110A>G (NM_001291412.3); short protein forms E1272G.
Identifiers: ClinVar variation 1032271 (VCV001032271.1), dbSNP rs2085849259, ClinGen allele CA410160969.
Genomic context (GRCh38, chr21:33,553,046, plus strand): 5'-CACCAGAGCCAGAATCTTCAATTACGTTAACACCTGTAGAGTCTGCAGTAGTAGCAGAAG[A>G]ACATGAAGTTGTTCCAGAGAGACCAGTGACTTGTATGGTATCTGAAACTCCCGCCATGTC-3'
Protein context (NP_620305.3, residues 1262-1282): TPVESAVVAE[Glu1272Gly]HEVVPERPVT